The following is an entry in ClinVar:

ClinVar aggregate classification (germline): Uncertain significance (1 of 4 stars; one submission).

Submission:

CeGaT Center for Human Genetics Tuebingen
Classification: Uncertain significance. Last evaluated: 2022-11-01. Review status: criteria provided, single submitter. Criteria: CeGaT Center For Human Genetics Tuebingen Variant Classification Criteria Version 2. Collection method: clinical testing. Allele origin: germline. Affected: yes. Observed: 1 variant allele.
Comment: ADAMTS2: PM2, BP4

NM_014244.5(ADAMTS2):c.3340A>C (p.Asn1114His)

Gene: ADAMTS2 (ADAM metallopeptidase with thrombospondin type 1 motif 2; minus strand). Cytogenetic location: 5q35.3.
Variant type: single nucleotide variant.
Coding change: c.3340A>C on transcript NM_014244.5 (MANE Select); coding-DNA position 3340, A replaced by C.
Protein change: p.Asn1114His; replaces asparagine 1114 with histidine.
Molecular consequence: missense variant.
Genome position (GRCh38, 1-based): chr5:179,114,163, T>G on the plus strand (A>C on the coding strand, the complement: ADAMTS2 is on the minus strand). VCF-style: chr5-179114163-T-G. GRCh37 (hg19) VCF-style: chr5-178541164-T-G.
Other names: short protein forms N1114H.
Identifiers: ClinVar variation 1879643 (VCV001879643.29), dbSNP rs1762620955, ClinGen allele CA362412080.